The following is an entry in ClinVar:

ClinVar aggregate classification (germline): Uncertain significance (1 of 4 stars; one submission).

Conditions:
Hyperekplexia 3 (HKPX3). Also called: HYPEREKPLEXIA 3, AUTOSOMAL RECESSIVE; HYPEREKPLEXIA 3, AUTOSOMAL DOMINANT. Identifiers: Orphanet 3197, MedGen C3553288, MONDO:0013827, OMIM 614618.

Allele frequency attached by ClinVar (database versions not stated): gnomAD exomes 0.00001 and 0.00003; ExAC 0.00002; TOPMed 0.00003; gnomAD 0.00004.
gnomAD v4.1: 14 of 1,589,546 alleles (0.00088%); highest among the groups gnomAD compares: Admixed American, 0.022%; no homozygotes.

Submission:

Labcorp Genetics (formerly Invitae), Labcorp
Classification: Uncertain significance for Hyperekplexia 3. Last evaluated: 2020-10-27. Review status: criteria provided, single submitter. Criteria: Invitae Variant Classification Sherloc (09022015). Collection method: clinical testing. Allele origin: germline.
Comment: In summary, the available evidence is currently insufficient to determine the role of this variant in disease. Therefore, it has been classified as a Variant of Uncertain Significance. Advanced modeling of protein sequence and biophysical properties (such as structural, functional, and spatial information, amino acid conservation, physicochemical variation, residue mobility, and thermodynamic stability) performed at Invitae indicates that this missense variant is not expected to disrupt SLC6A5 protein function. This variant has not been reported in the literature in individuals with SLC6A5-related conditions. The frequency data for this variant in the population databases is considered unreliable, as metrics indicate poor data quality at this position in the ExAC database. This sequence change replaces glutamic acid with glutamine at codon 18 of the SLC6A5 protein (p.Glu18Gln). The glutamic acid residue is moderately conserved and there is a small physicochemical difference between glutamic acid and glutamine.

NM_004211.5(SLC6A5):c.52G>C (p.Glu18Gln)

Gene: SLC6A5 (solute carrier family 6 member 5; plus strand). Cytogenetic location: 11p15.1.
Variant type: single nucleotide variant.
Coding change: c.52G>C on transcript NM_004211.5 (MANE Select); coding-DNA position 52, G replaced by C.
Protein change: p.Glu18Gln; replaces glutamic acid 18 with glutamine.
Molecular consequence: missense variant. On other transcripts: 5 prime UTR variant (1).
Genome position (GRCh38, 1-based): chr11:20,601,177, G>C. VCF-style: chr11-20601177-G-C. GRCh37 (hg19) VCF-style: chr11-20622723-G-C.
Other names: c.-512G>C (NM_001318369.2); short protein forms E18Q.
Identifiers: ClinVar variation 1037924 (VCV001037924.8), dbSNP rs779942621, ClinGen allele CA5920983.
Genomic context (GRCh38, chr11:20,601,177, plus strand): 5'-TTGTGTTTGCAGGATTGCAGTGCTCCCAAGGAAATGAATAAACTGCCAGCCAACAGCCCG[G>C]AGGCGGCGGCGGCGCAGGGCCACCCGGATGGCCCATGCGCTCCCAGGACGAGCCCGGAGC-3'
Protein context (NP_004202.4, residues 8-28): EMNKLPANSP[Glu18Gln]AAAAQGHPDG